The following is an entry in ClinVar:

NM_000334.4(SCN4A):c.554A>C (p.Asp185Ala)

Gene: SCN4A (sodium voltage-gated channel alpha subunit 4; minus strand). Cytogenetic location: 17q23.3.
Variant type: single nucleotide variant.
Coding change: c.554A>C on transcript NM_000334.4 (MANE Select); coding-DNA position 554, A replaced by C.
Protein change: p.Asp185Ala; replaces aspartic acid 185 with alanine.
Molecular consequence: missense variant.
Genome position (GRCh38, 1-based): chr17:63,971,779, T>G on the plus strand (A>C on the coding strand, the complement: SCN4A is on the minus strand). VCF-style: chr17-63971779-T-G. GRCh37 (hg19) VCF-style: chr17-62049139-T-G.
Other names: short protein forms D185A.
Identifiers: ClinVar variation 640547 (VCV000640547.10), dbSNP rs1597987427, ClinGen allele CA400639078.

ClinVar aggregate classification (germline): Uncertain significance. Review status: criteria provided, multiple submitters, no conflicts (2 of 4 stars). 2 submissions from 2 submitters: Uncertain significance (2). Last evaluated 2026-01-14.

Conditions:
Inborn genetic diseases. Identifiers: MedGen C0950123, MeSH D030342.
Hyperkalemic periodic paralysis. Also called: Familial hyperkalemic periodic paralysis; Gamstorp disease. Identifiers: Orphanet 682, MedGen C0238357, MONDO:0008224, OMIM 170500, HP:0007215.

Allele frequency attached by ClinVar (database versions not stated): gnomAD 0.00001; gnomAD exomes 0.00002; TOPMed below 0.00001.

Submissions (2):

Ambry Genetics
Classification: Uncertain significance for Inborn genetic diseases. Last evaluated: 2026-01-14. Review status: criteria provided, single submitter. Criteria: Ambry Variant Classification Scheme 2023. Collection method: clinical testing. Allele origin: germline.

Labcorp Genetics (formerly Invitae), Labcorp
Classification: Uncertain significance for Hyperkalemic periodic paralysis. Last evaluated: 2025-04-08. Review status: criteria provided, single submitter. Criteria: Invitae Variant Classification Sherloc (09022015). Collection method: clinical testing. Allele origin: germline.
Comment: This sequence change replaces aspartic acid, which is acidic and polar, with alanine, which is neutral and non-polar, at codon 185 of the SCN4A protein (p.Asp185Ala). This variant is not present in population databases (gnomAD no frequency). This variant has not been reported in the literature in individuals affected with SCN4A-related conditions. ClinVar contains an entry for this variant (Variation ID: 640547). Invitae Evidence Modeling of protein sequence and biophysical properties (such as structural, functional, and spatial information, amino acid conservation, physicochemical variation, residue mobility, and thermodynamic stability) indicates that this missense variant is not expected to disrupt SCN4A protein function with a negative predictive value of 95%. In summary, the available evidence is currently insufficient to determine the role of this variant in disease. Therefore, it has been classified as a Variant of Uncertain Significance.